The following is an entry in ClinVar:

NM_001605.3(AARS1):c.2083C>T (p.Arg695Ter)

Gene: AARS1 (alanyl-tRNA synthetase 1; minus strand). Cytogenetic location: 16q22.1.
Variant type: single nucleotide variant.
Coding change: c.2083C>T on transcript NM_001605.3 (MANE Select); coding-DNA position 2083, C replaced by T.
Protein change: p.Arg695Ter; replaces arginine 695 with a stop codon.
Molecular consequence: nonsense.
Genome position (GRCh38, 1-based): chr16:70,258,127, G>A on the plus strand (C>T on the coding strand, the complement: AARS1 is on the minus strand). VCF-style: chr16-70258127-G-A. GRCh37 (hg19) VCF-style: chr16-70292030-G-A.
Other names: short protein forms R695*.
Identifiers: ClinVar variation 543185 (VCV000543185.8), dbSNP rs761043713, ClinGen allele CA8140571.

ClinVar aggregate classification (germline): Conflicting classifications of pathogenicity. Review status: criteria provided, conflicting classifications (1 of 4 stars). 3 submissions from 3 submitters: Pathogenic (1); Uncertain significance (2). Last evaluated 2024-03-02.

Conditions:
Charcot-Marie-Tooth disease type 2. Also called: Charcot-Marie-Tooth type 2. Identifiers: Orphanet 64746, MedGen C0270914, MONDO:0018993.

Allele frequency attached by ClinVar (database versions not stated): gnomAD exomes below 0.00001 and 0.00001; TOPMed below 0.00001; gnomAD 0.00001; ExAC 0.00002.
gnomAD v4.1: 7 of 1,613,132 alleles (0.00043%); highest among the groups gnomAD compares: Non-Finnish European, 0.00059%; no homozygotes.

Submissions (3):

Labcorp Genetics (formerly Invitae), Labcorp
Classification: Pathogenic for Charcot-Marie-Tooth disease type 2. Last evaluated: 2024-03-02. Review status: criteria provided, single submitter. Criteria: Invitae Variant Classification Sherloc (09022015). Collection method: clinical testing. Allele origin: germline.
Comment: This sequence change creates a premature translational stop signal (p.Arg695*) in the AARS gene. It is expected to result in an absent or disrupted protein product. Loss-of-function variants in AARS are known to be pathogenic (PMID: 25817015, 28493438, 34446925). This variant is present in population databases (rs761043713, gnomAD 0.003%). This variant has not been reported in the literature in individuals affected with AARS-related conditions. ClinVar contains an entry for this variant (Variation ID: 543185). Algorithms developed to predict the effect of sequence changes on RNA splicing suggest that this variant may disrupt the consensus splice site. For these reasons, this variant has been classified as Pathogenic.

Blueprint Genetics
Classification: Uncertain significance. Last evaluated: 2023-10-26. Review status: criteria provided, single submitter. Criteria: ACMG Guidelines, 2015. Collection method: clinical testing. Allele origin: germline.

Clinical Genetics Laboratory, Skane University Hospital Lund
Classification: Uncertain significance. Last evaluated: 2022-05-27. Review status: criteria provided, single submitter. Criteria: ACMG Guidelines, 2015. Collection method: clinical testing. Allele origin: germline. Affected: yes.

Literature cited by the submitters: PubMed 25817015 (cited by Labcorp Genetics (formerly Invitae), Labcorp); PubMed 28493438 (cited by Labcorp Genetics (formerly Invitae), Labcorp); PubMed 34446925 (cited by Labcorp Genetics (formerly Invitae), Labcorp).